The following is an entry in ClinVar:

ClinVar aggregate classification (germline): Likely benign (1 of 4 stars; one submission).

Allele frequency attached by ClinVar (database versions not stated): ExAC 0.00082; TOPMed 0.00086; ESP Exome Variant Server 0.00154.
gnomAD v4.1: 1,942 of 1,613,966 alleles (0.12%); highest among the groups gnomAD compares: Non-Finnish European, 0.15%; no homozygotes.

Submission:

CeGaT Center for Human Genetics Tuebingen
Classification: Likely benign. Last evaluated: 2022-04-01. Review status: criteria provided, single submitter. Criteria: CeGaT Center For Human Genetics Tuebingen Variant Classification Criteria Version 2. Collection method: clinical testing. Allele origin: germline. Affected: yes. Observed: 1 variant allele.
Comment: MIA2: BP4, BP7

NM_001329214.4(MIA2):c.642C>T (p.Val214=)

Gene: MIA2 (MIA SH3 domain ER export factor 2; plus strand). Cytogenetic location: 14q21.1.
Variant type: single nucleotide variant.
Coding change: c.642C>T on transcript NM_001329214.4 (MANE Select); coding-DNA position 642, C replaced by T.
Protein change: p.Val214=; no amino-acid change (valine 214 retained).
Molecular consequence: synonymous variant.
Genome position (GRCh38, 1-based): chr14:39,247,216, C>T. VCF-style: chr14-39247216-C-T. GRCh37 (hg19) VCF-style: chr14-39716420-C-T.
Other names: c.642C>T, p.Val214= (NM_054024.4).
Identifiers: ClinVar variation 2644190 (VCV002644190.24), dbSNP rs150761357, ClinGen allele CA7163667.